The following is an entry in ClinVar:

NM_001139.3(ALOX12B):c.1654G>T (p.Gly552Cys)

Gene: ALOX12B (arachidonate 12-lipoxygenase, 12R type; minus strand). Cytogenetic location: 17p13.1.
Variant type: single nucleotide variant.
Coding change: c.1654G>T on transcript NM_001139.3 (MANE Select); coding-DNA position 1654, G replaced by T.
Protein change: p.Gly552Cys; replaces glycine 552 with cysteine.
Molecular consequence: missense variant.
Genome position (GRCh38, 1-based): chr17:8,075,595, C>A on the plus strand (G>T on the coding strand, the complement: ALOX12B is on the minus strand). VCF-style: chr17-8075595-C-A. GRCh37 (hg19) VCF-style: chr17-7978913-C-A.
Other names: c.1654G>T (NM_001139.2); short protein forms G552C.
Identifiers: ClinVar variation 3896024 (VCV003896024.2).

ClinVar aggregate classification (germline): Pathogenic/Likely pathogenic. Review status: criteria provided, multiple submitters, no conflicts (2 of 4 stars). 2 submissions from 2 submitters: Pathogenic (1); Likely pathogenic (1). Last evaluated 2025-03-21.

Conditions:
Lamellar ichthyosis. Identifiers: Orphanet 313, MedGen C5848247, MONDO:0017778.

Submissions (2):

Women's Health and Genetics/Laboratory Corporation of America, LabCorp
Classification: Pathogenic for Lamellar ichthyosis. Last evaluated: 2025-03-21. Review status: criteria provided, single submitter. Criteria: LabCorp Variant Classification Summary - May 2015. Collection method: clinical testing. Allele origin: germline.
Comment: Variant summary: ALOX12B c.1654G>T (p.Gly552Cys) results in a non-conservative amino acid change located in the C-terminal lipoxygenase domain (IPR013819) of the encoded protein sequence. Four of four in-silico tools predict a damaging effect of the variant on protein function. In addition, the variant affects the last base of exon 12 in ALOX12B, and therefore is potentially a donor splice site mutation. Several computational tools predict a significant impact on normal splicing: four predict the variant weakens the 5' donor site. However, these predictions have yet to be confirmed by functional studies. The variant was absent in 1607168 control chromosomes (gnomAD v4.1). c.1654G>T has been reported in the literature in multiple homozygous individuals affected with Lamellar Ichthyosis (e.g. Mae_2023, Chegini_2023). These data indicate that the variant is very likely to be associated with disease. To our knowledge, no experimental evidence demonstrating an impact on protein function has been reported. The following publications have been ascertained in the context of this evaluation (PMID: 36258281, 38060040). No submitters have cited clinical-significance assessments for this variant to ClinVar. Based on the evidence outlined above, the variant was classified as pathogenic.

GeneDx
Classification: Likely pathogenic. Last evaluated: 2024-12-09. Review status: criteria provided, single submitter. Criteria: GeneDx Variant Classification Process June 2021. Collection method: clinical testing. Allele origin: germline. Affected: yes.
Comment: Alters the last nucleotide of the exon and is predicted to destroy the splice donor site and result in aberrant splicing, although in the absence of functional evidence the actual effect of this sequence change is unknown; Not observed at significant frequency in large population cohorts (gnomAD); This variant is associated with the following publications: (PMID: 31350750, 36258281, 38060040)

Literature cited by the submitters: PubMed 38060040 (cited by Women's Health and Genetics/Laboratory Corporation of America, LabCorp); PubMed 36258281 (cited by Women's Health and Genetics/Laboratory Corporation of America, LabCorp).